The following is an entry in ClinVar:

ClinVar aggregate classification (germline): Conflicting classifications of pathogenicity. Review status: criteria provided, conflicting classifications (1 of 4 stars). 2 submissions from 2 submitters: Uncertain significance (1); Benign (1). Last evaluated 2025-11-06.

Conditions:
Sotos syndrome (SOTOS). Also called: Distinctive facial appearance, overgrowth in childhood, and learning disabilities or delayed development; SOTOS SYNDROME 1; CHROMOSOME 5q35 DELETION SYNDROME; CEREBRAL GIGANTISM; Sotos' syndrome. Identifiers: Orphanet 821, MedGen C0175695, MONDO:0019349, OMIM 117550.

gnomAD v4.1: 2 of 1,613,962 alleles (0.00012%); highest among the groups gnomAD compares: African/African-American, 0.0013%; no homozygotes.

Submissions (2):

Dasa
Classification: Uncertain significance for Sotos syndrome. Last evaluated: 2025-11-06. Review status: criteria provided, single submitter. Criteria: DASA Assertion Criteria. Collection method: clinical testing. Allele origin: germline.
Comment: NM_022455.5(NSD1):c.7778C>G (p.Ala2593Gly) is a missense variant that results in the substitution of alanine with glycine. This variant is rare in population databases. The currently available literature and clinical evidence are not sufficient to establish a definitive association between this variant and the reported condition. Therefore, this variant is classified as a variant of uncertain significance.

Labcorp Genetics (formerly Invitae), Labcorp
Classification: Benign. Last evaluated: 2024-08-24. Review status: criteria provided, single submitter. Criteria: Invitae Variant Classification Sherloc (09022015). Collection method: clinical testing. Allele origin: germline.

NM_022455.5(NSD1):c.7778C>G (p.Ala2593Gly)

Gene: NSD1 (nuclear receptor binding SET domain protein 1; plus strand). Cytogenetic location: 5q35.3.
Variant type: single nucleotide variant.
Coding change: c.7778C>G on transcript NM_022455.5 (MANE Select); coding-DNA position 7778, C replaced by G.
Protein change: p.Ala2593Gly; replaces alanine 2593 with glycine.
Molecular consequence: missense variant.
Genome position (GRCh38, 1-based): chr5:177,295,146, C>G. VCF-style: chr5-177295146-C-G. GRCh37 (hg19) VCF-style: chr5-176722147-C-G.
Other names: c.7358C>G, p.Ala2453Gly (NM_001409304.1); c.7025C>G, p.Ala2342Gly (NM_001409305.1); c.7016C>G, p.Ala2339Gly (NM_001409306.1, NM_001409307.1); c.6905C>G, p.Ala2302Gly (NM_001409308.1, NM_172349.5, NM_001365684.2); c.6656C>G, p.Ala2219Gly (NM_001409309.1); c.7778C>G, p.Ala2593Gly (NM_001409301.1, NM_001409302.1, NM_001409303.1); short protein forms A2219G, A2302G, A2339G, A2342G, A2453G, A2593G.
Identifiers: ClinVar variation 3603748 (VCV003603748.4).
Genomic context (GRCh38, chr5:177,295,146, plus strand): 5'-CCCCGGGCCTGGTGAAGCAGGCGAAGCAGATGGTCGGAGGCCAGCAACTACCTGCACTTG[C>G]CGCCAAGAGTGGGCAATCTTTTAGGTCTCTCGGGAAGGCCCCAGCCTCCCTCCCCACTGA-3'
Protein context (NP_071900.2, residues 2583-2603): MVGGQQLPAL[Ala2593Gly]AKSGQSFRSL